The following is an entry in ClinVar:

NM_001286577.2(C2CD3):c.3403A>G (p.Arg1135Gly)

Gene: C2CD3 (C2 domain containing 3 centriole elongation regulator; minus strand). Cytogenetic location: 11q13.4.
Variant type: single nucleotide variant.
Coding change: c.3403A>G on transcript NM_001286577.2 (MANE Select); coding-DNA position 3403, A replaced by G.
Protein change: p.Arg1135Gly; replaces arginine 1135 with glycine.
Molecular consequence: missense variant.
Genome position (GRCh38, 1-based): chr11:74,092,530, T>C on the plus strand (A>G on the coding strand, the complement: C2CD3 is on the minus strand). VCF-style: chr11-74092530-T-C. GRCh37 (hg19) VCF-style: chr11-73803575-T-C.
Other names: c.3403A>G, p.Arg1135Gly (NM_015531.6); short protein forms R1135G.
Identifiers: ClinVar variation 1476995 (VCV001476995.6), dbSNP rs2135483791, ClinGen allele CA381825480.

ClinVar aggregate classification (germline): Uncertain significance (1 of 4 stars; one submission).

Submission:

Labcorp Genetics (formerly Invitae), Labcorp
Classification: Uncertain significance. Last evaluated: 2022-08-16. Review status: criteria provided, single submitter. Criteria: Invitae Variant Classification Sherloc (09022015). Collection method: clinical testing. Allele origin: germline.
Comment: In summary, the available evidence is currently insufficient to determine the role of this variant in disease. Therefore, it has been classified as a Variant of Uncertain Significance. Algorithms developed to predict the effect of sequence changes on RNA splicing suggest that this variant may create or strengthen a splice site. Algorithms developed to predict the effect of missense changes on protein structure and function are either unavailable or do not agree on the potential impact of this missense change (SIFT: "Deleterious"; PolyPhen-2: "Possibly Damaging"; Align-GVGD: "Class C0"). ClinVar contains an entry for this variant (Variation ID: 1476995). This variant has not been reported in the literature in individuals affected with C2CD3-related conditions. This variant is not present in population databases (gnomAD no frequency). This sequence change replaces arginine, which is basic and polar, with glycine, which is neutral and non-polar, at codon 1135 of the C2CD3 protein (p.Arg1135Gly).